The following is an entry in ClinVar:

ClinVar aggregate classification (germline): Uncertain significance. Review status: criteria provided, multiple submitters, no conflicts (2 of 4 stars). 2 submissions from 2 submitters: Uncertain significance (2). Last evaluated 2025-02-16.

Conditions:
Cardiovascular phenotype. Identifiers: MedGen CN230736.
Legius syndrome. Identifiers: Orphanet 137605, MedGen C1969623, MONDO:0012669, OMIM 611431. Disease mechanism: loss of function.

Allele frequency attached by ClinVar (database versions not stated): gnomAD exomes below 0.00001; ExAC 0.00001.
gnomAD v4.1: 1 of 1,613,948 alleles (0.000062%); highest among the groups gnomAD compares: Non-Finnish European, 0.000085%; no homozygotes.

Submissions (2):

Ambry Genetics
Classification: Uncertain significance for Cardiovascular phenotype. Last evaluated: 2025-02-16. Review status: criteria provided, single submitter. Criteria: Ambry Variant Classification Scheme 2023. Collection method: clinical testing. Allele origin: germline.
Comment: The p.E166D variant (also known as c.498G>C), located in coding exon 5 of the SPRED1 gene, results from a G to C substitution at nucleotide position 498. The glutamic acid at codon 166 is replaced by aspartic acid, an amino acid with highly similar properties. This amino acid position is conserved. In addition, this alteration is predicted to be tolerated by in silico analysis. Based on the available evidence, the clinical significance of this variant remains unclear.

Labcorp Genetics (formerly Invitae), Labcorp
Classification: Uncertain significance for Legius syndrome. Last evaluated: 2022-02-19. Review status: criteria provided, single submitter. Criteria: Invitae Variant Classification Sherloc (09022015). Collection method: clinical testing. Allele origin: germline.
Comment: This variant has not been reported in the literature in individuals affected with SPRED1-related conditions. In summary, the available evidence is currently insufficient to determine the role of this variant in disease. Therefore, it has been classified as a Variant of Uncertain Significance. Algorithms developed to predict the effect of missense changes on protein structure and function output the following: SIFT: "Tolerated"; PolyPhen-2: "Benign"; Align-GVGD: "Class C0". The aspartic acid amino acid residue is found in multiple mammalian species, which suggests that this missense change does not adversely affect protein function. This variant is present in population databases (rs770446191, gnomAD 0.0009%). This sequence change replaces glutamic acid, which is acidic and polar, with aspartic acid, which is acidic and polar, at codon 166 of the SPRED1 protein (p.Glu166Asp).

NM_152594.3(SPRED1):c.498G>C (p.Glu166Asp)

Gene: SPRED1 (sprouty related EVH1 domain containing 1; plus strand). Cytogenetic location: 15q14.
Variant type: single nucleotide variant.
Coding change: c.498G>C on transcript NM_152594.3 (MANE Select); coding-DNA position 498, G replaced by C.
Protein change: p.Glu166Asp; replaces glutamic acid 166 with aspartic acid.
Molecular consequence: missense variant.
Genome position (GRCh38, 1-based): chr15:38,339,811, G>C. VCF-style: chr15-38339811-G-C. GRCh37 (hg19) VCF-style: chr15-38632012-G-C.
Other names: c.498G>C (NM_152594.2); short protein forms E166D.
Identifiers: ClinVar variation 2143480 (VCV002143480.5), dbSNP rs770446191, ClinGen allele CA7470101.
Genomic context (GRCh38, chr15:38,339,811, plus strand): 5'-TTCTTCCAGTTCTCTAGTGAAGGATCACCTTTTTCAGCAAGAGACAGTTGTTACCAGTGA[G>C]CCTTATAGAAGCTCAAATATAAGACCTTCTCCCTTTGAAGATCTGAATGCCAGAAGAGTC-3'
Protein context (NP_689807.1, residues 156-176): LFQQETVVTS[Glu166Asp]PYRSSNIRPS